The following is an entry in ClinVar:

NM_001385079.1(PDE10A):c.3069_3070insTAT (p.Asp1023_Asn1024insTyr)

Gene: PDE10A (phosphodiesterase 10A; minus strand). Cytogenetic location: 6q27.
Variant type: Insertion.
Coding change: c.3069_3070insTAT on transcript NM_001385079.1 (MANE Select); coding-DNA positions 3069 to 3070, TAT inserted.
Protein change: p.Asp1023_Asn1024insTyr.
Molecular consequence: inframe insertion.
Genome position: GRCh38 VCF-style: chr6-165333123-T-TATA. GRCh37 (hg19) VCF-style: chr6-165746612-T-TATA.
Other names: c.2271_2272insTAT, p.Asp757_Asn758insTyr (NM_001130690.3); c.2241_2242insTAT, p.Asp747_Asn748insTyr (NM_006661.4).
Identifiers: ClinVar variation 3775863 (VCV003775863.1).

ClinVar aggregate classification (germline): Uncertain significance (1 of 4 stars; one submission).

Conditions:
Infantile-onset generalized dyskinesia with orofacial involvement. Also called: Dyskinesia, limb and orofacial, infantile-onset. Identifiers: Orphanet 494526, MedGen C5567464, MONDO:0044637, OMIM 616921.

Submission:

3billion
Classification: Uncertain significance for Infantile-onset generalized dyskinesia with orofacial involvement. Last evaluated: 2023-09-08. Review status: criteria provided, single submitter. Criteria: ACMG Guidelines, 2015. Collection method: clinical testing. Allele origin: germline. Affected: yes.
Comment: The variant is not observed in the gnomAD v2.1.1 dataset. Predicted Consequence/Location: Inframe insertion located in a nonrepeat region: predicted to change the length of the protein and disrupt normal protein function. Therefore, this variant is classified as VUS according to the recommendation of ACMG/AMP guideline.